The following is an entry in ClinVar:

NM_001358530.2(MOCS1):c.577_583+6del

Gene: MOCS1 (molybdenum cofactor synthesis 1; minus strand). Cytogenetic location: 6p21.2.
Variant type: Deletion.
Coding change: c.577_583+6del on transcript NM_001358530.2 (MANE Select); coding-DNA position 577 through 6 bases into the intron after coding-DNA position 583, 13 bases deleted (AGGAAAGGTGAGC).
Molecular consequence: splice donor variant.
Genome position (GRCh38, 1-based): chr6:39,916,062-39,916,074, GCTCACCTTTCCT deleted on the plus strand (AGGAAAGGTGAGC on the coding strand, the reverse complement: MOCS1 is on the minus strand); deleting any 13 consecutive bases within chr6:39,916,062-39,916,076 gives the same sequence; the c. name uses the placement nearest the transcript's 3' end. VCF-style (leftmost placement, unchanged base first): chr6-39916061-CGCTCACCTTTCCT-C. GRCh37 (hg19) VCF-style: chr6-39883805-CGCTCACCTTTCCT-C.
Other names: c.316_322+6del (NM_001358531.2, NM_001358533.2, NM_001358534.2); c.577_583+6del (NM_001358529.2, NM_001075098.4, NM_005943.6).
Identifiers: ClinVar variation 2866583 (VCV002866583.3), dbSNP rs2482335465, ClinGen allele CA2739273006.
Genomic context (GRCh38, chr6:39,916,061, plus strand): 5'-TGGCCATGCCCTCCCCAGCTATGTGCAGGCCCTGGGAGGGACACCCACCCCATCCACATC[CGCTCACCTTTCCT>C]GCGGACAATGAACTCAAACTTGGCAGGCACCAGGGTGTCCAGGCTGATGTTGATGGCACT-3'

ClinVar aggregate classification (germline): Likely pathogenic (1 of 4 stars; one submission).

Conditions:
Sulfite oxidase deficiency due to molybdenum cofactor deficiency type A. Also called: Molybdenum cofactor deficiency, complementation group A; Molybdenum Cofactor Deficiency A. Identifiers: Orphanet 308386, Orphanet 833, MedGen C1854988, MONDO:0009643, OMIM 252150.

Submission:

Labcorp Genetics (formerly Invitae), Labcorp
Classification: Likely pathogenic for Sulfite oxidase deficiency due to molybdenum cofactor deficiency type A. Last evaluated: 2023-05-21. Review status: criteria provided, single submitter. Criteria: Invitae Variant Classification Sherloc (09022015). Collection method: clinical testing. Allele origin: germline.
Comment: In summary, the currently available evidence indicates that the variant is pathogenic, but additional data are needed to prove that conclusively. Therefore, this variant has been classified as Likely Pathogenic. This variant has not been reported in the literature in individuals affected with MOCS1-related conditions. This variant is not present in population databases (gnomAD no frequency). This variant results in the deletion of part of exon 4 of the MOCS1 gene. It is expected to disrupt RNA splicing. Variants that disrupt the donor or acceptor splice site typically lead to a loss of protein function (PMID: 16199547), and loss-of-function variants in MOCS1 are known to be pathogenic (PMID: 12754701, 16021469).

Literature cited by the submitters: PubMed 16199547; PubMed 12754701; PubMed 16021469.